The following is an entry in ClinVar:

ClinVar aggregate classification (germline): Uncertain significance (1 of 4 stars; one submission).

gnomAD v4.1: 3 of 1,610,610 alleles (0.00019%); highest among the groups gnomAD compares: Non-Finnish European, 0.00025%; no homozygotes.

Submission:

GeneDx
Classification: Uncertain significance. Last evaluated: 2025-01-08. Review status: criteria provided, single submitter. Criteria: GeneDx Variant Classification Process June 2021. Collection method: clinical testing. Allele origin: germline. Affected: yes.
Comment: Not observed at significant frequency in large population cohorts (gnomAD); In silico analysis supports that this missense variant has a deleterious effect on protein structure/function; Has not been previously published as pathogenic or benign to our knowledge

NM_002972.4(SBF1):c.1147C>T (p.Arg383Cys)

Gene: SBF1 (SET binding factor 1; minus strand). Cytogenetic location: 22q13.33.
Variant type: single nucleotide variant.
Coding change: c.1147C>T on transcript NM_002972.4 (MANE Select); coding-DNA position 1147, C replaced by T.
Protein change: p.Arg383Cys; replaces arginine 383 with cysteine.
Molecular consequence: missense variant.
Genome position (GRCh38, 1-based): chr22:50,465,271, G>A on the plus strand (C>T on the coding strand, the complement: SBF1 is on the minus strand). VCF-style: chr22-50465271-G-A. GRCh37 (hg19) VCF-style: chr22-50903700-G-A.
Other names: c.1150C>T, p.Arg384Cys (NM_001365819.1, NM_001410794.1); c.1147C>T, p.Arg383Cys (NM_001410795.1); short protein forms R383C, R384C.
Identifiers: ClinVar variation 4057093 (VCV004057093.1).